The following is an entry in ClinVar:

NM_002900.3(RBP3):c.3716G>A (p.Arg1239Gln)

Gene: RBP3 (retinol binding protein 3; plus strand). Cytogenetic location: 10q11.22.
Variant type: single nucleotide variant.
Coding change: c.3716G>A on transcript NM_002900.3 (MANE Select); coding-DNA position 3716, G replaced by A.
Protein change: p.Arg1239Gln; replaces arginine 1239 with glutamine.
Molecular consequence: missense variant.
Genome position (GRCh38, 1-based): chr10:47,357,429, G>A. VCF-style: chr10-47357429-G-A. GRCh37 (hg19) VCF-style: chr10-48381933-C-T.
Other names: short protein forms R1239Q.
Identifiers: ClinVar variation 969159 (VCV000969159.6), dbSNP rs782400463, ClinGen allele CA5486981.

ClinVar aggregate classification (germline): Uncertain significance (1 of 4 stars; one submission).

Allele frequency attached by ClinVar (database versions not stated): gnomAD 0.00001; gnomAD exomes 0.00001 and 0.00002; ExAC 0.00002; TOPMed 0.00002.
gnomAD v4.1: 13 of 1,613,264 alleles (0.00081%); highest among the groups gnomAD compares: African/African-American, 0.004%; no homozygotes.

Submission:

Labcorp Genetics (formerly Invitae), Labcorp
Classification: Uncertain significance. Last evaluated: 2024-01-09. Review status: criteria provided, single submitter. Criteria: Invitae Variant Classification Sherloc (09022015). Collection method: clinical testing. Allele origin: germline.
Comment: This sequence change replaces arginine, which is basic and polar, with glutamine, which is neutral and polar, at codon 1239 of the RBP3 protein (p.Arg1239Gln). This variant is present in population databases (rs782400463, gnomAD 0.008%). This variant has not been reported in the literature in individuals affected with RBP3-related conditions. ClinVar contains an entry for this variant (Variation ID: 969159). Algorithms developed to predict the effect of missense changes on protein structure and function output the following: SIFT: "Not Available"; PolyPhen-2: "Benign"; Align-GVGD: "Not Available". The glutamine amino acid residue is found in multiple mammalian species, which suggests that this missense change does not adversely affect protein function. In summary, the available evidence is currently insufficient to determine the role of this variant in disease. Therefore, it has been classified as a Variant of Uncertain Significance.